The following is an entry in ClinVar:

NM_018127.7(ELAC2):c.2080G>A (p.Glu694Lys)

Gene: ELAC2 (elaC ribonuclease Z 2; minus strand). Cytogenetic location: 17p12.
Variant type: single nucleotide variant.
Coding change: c.2080G>A on transcript NM_018127.7 (MANE Select); coding-DNA position 2080, G replaced by A.
Protein change: p.Glu694Lys; replaces glutamic acid 694 with lysine.
Molecular consequence: missense variant.
Genome position (GRCh38, 1-based): chr17:12,994,453, C>T on the plus strand (G>A on the coding strand, the complement: ELAC2 is on the minus strand). VCF-style: chr17-12994453-C-T. GRCh37 (hg19) VCF-style: chr17-12897770-C-T.
Other names: c.2080G>A (NM_018127.6); c.1960G>A, p.Glu654Lys (NM_001165962.2); c.2077G>A, p.Glu693Lys (NM_173717.2); short protein forms E654K, E693K, E694K.
Identifiers: ClinVar variation 999041 (VCV000999041.7), dbSNP rs1426760558, ClinGen allele CA398222872.

ClinVar aggregate classification (germline): Uncertain significance. Review status: criteria provided, multiple submitters, no conflicts (2 of 4 stars). 2 submissions from 2 submitters: Uncertain significance (2). Last evaluated 2023-06-29.

Conditions:
Inborn genetic diseases. Identifiers: MedGen C0950123, MeSH D030342.
Combined oxidative phosphorylation defect type 17. Also called: Combined oxidative phosphorylation deficiency 17. Identifiers: Orphanet 369913, MedGen C3809526, MONDO:0014190, OMIM 615440.

Allele frequency attached by ClinVar (database versions not stated): TOPMed 0.00002.

Submissions (2):

Ambry Genetics
Classification: Uncertain significance for Inborn genetic diseases. Last evaluated: 2023-06-29. Review status: criteria provided, single submitter. Criteria: Ambry Variant Classification Scheme 2023. Collection method: clinical testing. Allele origin: germline.

Labcorp Genetics (formerly Invitae), Labcorp
Classification: Uncertain significance for Combined oxidative phosphorylation defect type 17. Last evaluated: 2022-11-08. Review status: criteria provided, single submitter. Criteria: Invitae Variant Classification Sherloc (09022015). Collection method: clinical testing. Allele origin: germline.
Comment: In summary, the available evidence is currently insufficient to determine the role of this variant in disease. Therefore, it has been classified as a Variant of Uncertain Significance. Advanced modeling of protein sequence and biophysical properties (such as structural, functional, and spatial information, amino acid conservation, physicochemical variation, residue mobility, and thermodynamic stability) performed at Invitae indicates that this missense variant is not expected to disrupt ELAC2 protein function. ClinVar contains an entry for this variant (Variation ID: 999041). This variant has not been reported in the literature in individuals affected with ELAC2-related conditions. This variant is not present in population databases (gnomAD no frequency). This sequence change replaces glutamic acid, which is acidic and polar, with lysine, which is basic and polar, at codon 694 of the ELAC2 protein (p.Glu694Lys).